The following is an entry in ClinVar:

ClinVar aggregate classification (germline): Likely pathogenic. Review status: criteria provided, multiple submitters, no conflicts (2 of 4 stars). 3 submissions from 3 submitters: Likely pathogenic (2). 1 of the submissions does not count toward it. Last evaluated 2021-05-31.

Conditions:
Familial thoracic aortic aneurysm and aortic dissection (TAAD). Also called: Thoracic aortic aneurysms and dissections. Identifiers: Orphanet 91387, MedGen C4707243, MONDO:0019625.
Ehlers-Danlos syndrome, type 4 (EDSVASC). Also called: Ehlers-Danlos syndrome vascular type; Ehlers Danlos syndrome, ecchymotic type; Ehlers Danlos syndrome, arterial type; Ehlers Danlos syndrome, Sack-Barabas type; Ehlers-Danlos Syndrome Type IV. Identifiers: Orphanet 286, MedGen C0268338, MONDO:0017314, OMIM 130050.

Submissions (3):

Labcorp Genetics (formerly Invitae), Labcorp
Classification: Likely pathogenic for Ehlers-Danlos syndrome, type 4. Last evaluated: 2021-05-31. Review status: criteria provided, single submitter. Criteria: Invitae Variant Classification Sherloc (09022015). Collection method: clinical testing. Allele origin: germline.
Comment: This sequence change replaces glycine with glutamic acid at codon 264 of the COL3A1 protein (p.Gly264Glu). The glycine residue is highly conserved and there is a moderate physicochemical difference between glycine and glutamic acid. This variant is not present in population databases (ExAC no frequency). This variant has been observed in individual(s) with Ehlers-Danlos syndrome (PMID: 24922459). ClinVar contains an entry for this variant (Variation ID: 101320). Advanced modeling of protein sequence and biophysical properties (such as structural, functional, and spatial information, amino acid conservation, physicochemical variation, residue mobility, and thermodynamic stability) performed at Invitae indicates that this missense variant is expected to disrupt COL3A1 protein function. This variant disrupts the triple helix domain of COL3A1. Glycine residues within the Gly-Xaa-Yaa repeats of the triple helix domain are required for the structure and stability of fibrillar collagens (PMID: 7695699, 8218237, 19344236). In COL3A1, variants that affect these glycine residues are significantly enriched in individuals with disease (PMID: 24922459, 25758994) compared to the general population (ExAC). In summary, the currently available evidence indicates that the variant is pathogenic, but additional data are needed to prove that conclusively. Therefore, this variant has been classified as Likely Pathogenic.

Ambry Genetics
Classification: Likely pathogenic for Familial thoracic aortic aneurysm and aortic dissection. Last evaluated: 2018-12-04. Review status: criteria provided, single submitter. Criteria: Ambry Variant Classification Scheme 2023. Collection method: clinical testing. Allele origin: germline.
Comment: The p.G264E variant (also known as c.791G>A), located in coding exon 10 of the COL3A1 gene, results from a G to A substitution at nucleotide position 791. The glycine at codon 264 is replaced by glutamic acid, an amino acid with similar properties. The majority (approximately two-thirds) of COL3A1 mutations identified to date have involved the substitution of another amino acid for glycine within the triple-helical domain (Pepin MG et al. Genet Med. 2014;16(12):881-8; Frank M et al. Eur J Hum Genet. 2015;23(12):1657-64). This particular glycine substitution has been reported in an Ehlers-Danlos syndrome type IV (vascular type) cohort (Pepin MG et al. Genet. Med., 2014 Dec;16:881-8). Internal structural analysis has demonstrated that this alteration disrupts the characteristic G-X-Y motif in the COL3A1 protein and inserts a bulky side chain into a sterically-constrained region (Bella J et al. Science. 1994;266:75-81; Hohenester E et al. Proc. Natl. Acad. Sci. U.S.A. 2008;105:18273-7; Ambry internal data). Another alteration in the same codon, p.G264R (historically known as G97R) has also been detected in an individual with vascular Ehlers-Danlos syndrome (Giunta C et al. Hum. Mutat., 2000 Aug;16:176-7). This amino acid position is highly conserved in available vertebrate species. In addition, this alteration is predicted to be deleterious by in silico analysis. Based on the majority of available evidence to date, this variant is likely to be pathogenic.

Collagen Diagnostic Laboratory, University of Washington
Classification: Pathogenic for Ehlers-Danlos syndrome, type 4. Review status: no assertion criteria provided. Collection method: clinical testing. Allele origin: germline. Affected: yes. Not counted in ClinVar's aggregate classification.

Literature cited by the submitters: PubMed 24922459 (cited by Labcorp Genetics (formerly Invitae), Labcorp and Ambry Genetics); PubMed 7695699 (cited by Labcorp Genetics (formerly Invitae), Labcorp); PubMed 8218237 (cited by Labcorp Genetics (formerly Invitae), Labcorp); PubMed 19344236 (cited by Labcorp Genetics (formerly Invitae), Labcorp); PubMed 25758994 (cited by Labcorp Genetics (formerly Invitae), Labcorp); PubMed 10923041 (cited by Ambry Genetics).

NM_000090.4(COL3A1):c.791G>A (p.Gly264Glu)

Gene: COL3A1 (collagen type III alpha 1 chain; plus strand). Cytogenetic location: 2q32.2.
Variant type: single nucleotide variant.
Coding change: c.791G>A on transcript NM_000090.4 (MANE Select); coding-DNA position 791, G replaced by A.
Protein change: p.Gly264Glu; replaces glycine 264 with glutamic acid.
Molecular consequence: missense variant.
Genome position (GRCh38, 1-based): chr2:188,990,353, G>A. VCF-style: chr2-188990353-G-A. GRCh37 (hg19) VCF-style: chr2-189855079-G-A.
Identifiers: ClinVar variation 101320 (VCV000101320.12), dbSNP rs587779604, ClinGen allele CA007422.